The following is an entry in ClinVar:

ClinVar aggregate classification (germline): Uncertain significance (1 of 4 stars; one submission).

Allele frequency attached by ClinVar (database versions not stated): TOPMed below 0.00001.

Submission:

Labcorp Genetics (formerly Invitae), Labcorp
Classification: Uncertain significance. Last evaluated: 2022-08-16. Review status: criteria provided, single submitter. Criteria: Invitae Variant Classification Sherloc (09022015). Collection method: clinical testing. Allele origin: germline.
Comment: In summary, the available evidence is currently insufficient to determine the role of this variant in disease. Therefore, it has been classified as a Variant of Uncertain Significance. Algorithms developed to predict the effect of missense changes on protein structure and function (SIFT, PolyPhen-2, Align-GVGD) all suggest that this variant is likely to be disruptive. This variant has not been reported in the literature in individuals affected with HERC1-related conditions. This variant is not present in population databases (gnomAD no frequency). This sequence change replaces valine, which is neutral and non-polar, with leucine, which is neutral and non-polar, at codon 4588 of the HERC1 protein (p.Val4588Leu).

NM_003922.4(HERC1):c.13762G>C (p.Val4588Leu)

Gene: HERC1 (HECT and RLD domain containing E3 ubiquitin protein ligase family member 1; minus strand). Cytogenetic location: 15q22.31.
Variant type: single nucleotide variant.
Coding change: c.13762G>C on transcript NM_003922.4 (MANE Select); coding-DNA position 13762, G replaced by C.
Protein change: p.Val4588Leu; replaces valine 4588 with leucine.
Molecular consequence: missense variant.
Genome position (GRCh38, 1-based): chr15:63,616,609, C>G on the plus strand (G>C on the coding strand, the complement: HERC1 is on the minus strand). VCF-style: chr15-63616609-C-G. GRCh37 (hg19) VCF-style: chr15-63908808-C-G.
Other names: short protein forms V4588L.
Identifiers: ClinVar variation 2063294 (VCV002063294.3), dbSNP rs1022869035, ClinGen allele CA272087084.